The following is an entry in ClinVar:

ClinVar aggregate classification (germline): Uncertain significance (1 of 4 stars; one submission).

gnomAD v4.1: 2 of 1,613,964 alleles (0.00012%); highest among the groups gnomAD compares: South Asian, 0.0022%; no homozygotes.

Submission:

Labcorp Genetics (formerly Invitae), Labcorp
Classification: Uncertain significance. Last evaluated: 2024-02-01. Review status: criteria provided, single submitter. Criteria: Invitae Variant Classification Sherloc (09022015). Collection method: clinical testing. Allele origin: germline.
Comment: This sequence change replaces threonine, which is neutral and polar, with isoleucine, which is neutral and non-polar, at codon 522 of the PLK4 protein (p.Thr522Ile). This variant is not present in population databases (gnomAD no frequency). This variant has not been reported in the literature in individuals affected with PLK4-related conditions. ClinVar contains an entry for this variant (Variation ID: 1385248). Algorithms developed to predict the effect of missense changes on protein structure and function output the following: SIFT: "Not Available"; PolyPhen-2: "Benign"; Align-GVGD: "Not Available". The isoleucine amino acid residue is found in multiple mammalian species, which suggests that this missense change does not adversely affect protein function. In summary, the available evidence is currently insufficient to determine the role of this variant in disease. Therefore, it has been classified as a Variant of Uncertain Significance.

NM_014264.5(PLK4):c.1565C>T (p.Thr522Ile)

Gene: PLK4 (polo like kinase 4; plus strand). Cytogenetic location: 4q28.1.
Variant type: single nucleotide variant.
Coding change: c.1565C>T on transcript NM_014264.5 (MANE Select); coding-DNA position 1565, C replaced by T.
Protein change: p.Thr522Ile; replaces threonine 522 with isoleucine.
Molecular consequence: missense variant.
Genome position (GRCh38, 1-based): chr4:127,889,971, C>T. VCF-style: chr4-127889971-C-T. GRCh37 (hg19) VCF-style: chr4-128811126-C-T.
Other names: c.1469C>T, p.Thr490Ile (NM_001190799.2); c.1442C>T, p.Thr481Ile (NM_001190801.2); short protein forms T481I, T490I, T522I.
Identifiers: ClinVar variation 1385248 (VCV001385248.6), dbSNP rs373445088, ClinGen allele CA358155624.